The following is an entry in ClinVar:

NM_002471.4(MYH6):c.2796G>C (p.Glu932Asp)

Gene: MYH6 (myosin heavy chain 6; minus strand). Cytogenetic location: 14q11.2.
Variant type: single nucleotide variant.
Coding change: c.2796G>C on transcript NM_002471.4 (MANE Select); coding-DNA position 2796, G replaced by C.
Protein change: p.Glu932Asp; replaces glutamic acid 932 with aspartic acid.
Molecular consequence: missense variant.
Genome position (GRCh38, 1-based): chr14:23,393,798, C>G on the plus strand (G>C on the coding strand, the complement: MYH6 is on the minus strand). VCF-style: chr14-23393798-C-G. GRCh37 (hg19) VCF-style: chr14-23863007-C-G.
Other names: short protein forms E932D.
Identifiers: ClinVar variation 1327904 (VCV001327904.2), dbSNP rs2138598987, ClinGen allele CA389012611.
Genomic context (GRCh38, chr14:23,393,798, plus strand): 5'-GAGCTCTGAGCACTCGTCTTCCAGCTTGCGCTTCTTGGCAGTGAGCTCCGCGTTCATCTC[C>G]TCCTCATCCTCCAGCCTCTCATTCATCTCCTTTACTTTGGCCTCCAGCTGAATCTTGTTT-3'
Protein context (NP_002462.2, residues 922-942): KEMNERLEDE[Glu932Asp]EMNAELTAKK

ClinVar aggregate classification (germline): Uncertain significance (1 of 4 stars; one submission).

Submission:

GeneDx
Classification: Uncertain significance. Last evaluated: 2021-06-08. Review status: criteria provided, single submitter. Criteria: GeneDx Variant Classification Process June 2021. Collection method: clinical testing. Allele origin: germline. Affected: yes.
Comment: Has not been previously published as pathogenic or benign to our knowledge; Not observed at significant frequency in large population cohorts (Lek et al., 2016); In silico analysis supports that this missense variant does not alter protein structure/function; This variant is associated with the following publications: (PMID: 27535533)